The following is an entry in ClinVar:

ClinVar aggregate classification (germline): Uncertain significance. Review status: criteria provided, multiple submitters, no conflicts (2 of 4 stars). 2 submissions from 2 submitters: Uncertain significance (2). Last evaluated 2022-07-14.

Conditions:
Upshaw-Schulman syndrome (TTP). Also called: THROMBOTIC THROMBOCYTOPENIC PURPURA, HEREDITARY; Congenital thrombotic thrombocytopenic purpura. Identifiers: Orphanet 93583, MedGen C1268935, MONDO:0010122, OMIM 274150.

Allele frequency attached by ClinVar (database versions not stated): gnomAD exomes 0.00001; ExAC 0.00002.
gnomAD v4.1: 3 of 1,612,526 alleles (0.00019%); highest among the groups gnomAD compares: Admixed American, 0.0033%; no homozygotes.

Submissions (2):

Labcorp Genetics (formerly Invitae), Labcorp
Classification: Uncertain significance. Last evaluated: 2022-07-14. Review status: criteria provided, single submitter. Criteria: Invitae Variant Classification Sherloc (09022015). Collection method: clinical testing. Allele origin: germline.
Comment: In summary, the available evidence is currently insufficient to determine the role of this variant in disease. Therefore, it has been classified as a Variant of Uncertain Significance. Algorithms developed to predict the effect of missense changes on protein structure and function (SIFT, PolyPhen-2, Align-GVGD) all suggest that this variant is likely to be tolerated. ClinVar contains an entry for this variant (Variation ID: 914274). This variant has not been reported in the literature in individuals affected with ADAMTS13-related conditions. This variant is present in population databases (rs781785040, gnomAD 0.006%). This sequence change replaces proline, which is neutral and non-polar, with leucine, which is neutral and non-polar, at codon 1140 of the ADAMTS13 protein (p.Pro1140Leu).

Illumina Laboratory Services, Illumina
Classification: Uncertain significance for Upshaw-Schulman syndrome. Last evaluated: 2018-01-13. Review status: criteria provided, single submitter. Criteria: ICSL Variant Classification Criteria 13 December 2019. Collection method: clinical testing. Allele origin: germline.

NM_139027.6(ADAMTS13):c.3400+19C>T

Gene: ADAMTS13 (ADAM metallopeptidase with thrombospondin type 1 motif 13; plus strand). Cytogenetic location: 9q34.2.
Variant type: single nucleotide variant.
Coding change: c.3400+19C>T on transcript NM_139027.6 (MANE Select); 19 bases into the intron after coding-DNA position 3400, C replaced by T.
Molecular consequence: intron variant. On other transcripts: missense variant (1).
Genome position (GRCh38, 1-based): chr9:133,455,454, C>T. VCF-style: chr9-133455454-C-T. GRCh37 (hg19) VCF-style: chr9-136320576-C-T.
Other names: c.3419C>T, p.Pro1140Leu (NM_139025.5); c.3307+19C>T (NM_139026.6); short protein forms P1140L.
Identifiers: ClinVar variation 914274 (VCV000914274.7), dbSNP rs781785040, ClinGen allele CA200944144.